The following is an entry in ClinVar:

NM_000937.5(POLR2A):c.2573-3C>G

Genes: POLR2A (RNA polymerase II subunit A; plus strand), LOC126862481 (BRD4-independent group 4 enhancer GRCh37_chr17:7405086-7406285; plus strand). Cytogenetic location: 17p13.1.
Variant type: single nucleotide variant.
Coding change: c.2573-3C>G on transcript NM_000937.5 (MANE Select); 3 bases into the intron before coding-DNA position 2573, C replaced by G.
Molecular consequence: intron variant.
Genome position (GRCh38, 1-based): chr17:7,502,515, C>G. VCF-style: chr17-7502515-C-G. GRCh37 (hg19) VCF-style: chr17-7405834-C-G.
Identifiers: ClinVar variation 2576099 (VCV002576099.1), dbSNP rs771117424, ClinGen allele CA8349742.
Genomic context (GRCh38, chr17:7,502,515, plus strand): 5'-GTCAGGTAGGTTAAGGCCCCAGCCTGGGTCTTTGGGCTTTATCATCCCCTTACTTCCCTC[C>G]AGGATACATCCAGCGGCGGCTGATCAAGTCCATGGAGTCAGTGATGGTGAAGTACGACGC-3'

ClinVar aggregate classification (germline): Uncertain significance (1 of 4 stars; one submission).

Allele frequency attached by ClinVar (database versions not stated): TOPMed 0.00002; ExAC 0.00003; gnomAD 0.00003.

Submission:

Institute for Clinical Genetics, University Hospital TU Dresden, University Hospital TU Dresden
Classification: Uncertain significance. Last evaluated: 2023-03-21. Review status: criteria provided, single submitter. Criteria: ACMG Guidelines, 2015. Collection method: clinical testing. Allele origin: germline.
Comment: PP3, PM2_SUP